The following is an entry in ClinVar:

NM_001903.5(CTNNA1):c.2617_2620dup (p.Lys874fs)

Gene: CTNNA1 (catenin alpha 1; plus strand). Cytogenetic location: 5q31.2.
Variant type: Microsatellite.
Coding change: c.2617_2620dup on transcript NM_001903.5 (MANE Select); coding-DNA positions 2617 to 2620, 4 bases duplicated (GAGA; older notation c.2617_2620dupGAGA).
Protein change: p.Lys874fs; shifts the reading frame from lysine 874.
Molecular consequence: frameshift variant. On other transcripts: 3 prime UTR variant (5).
Genome position (GRCh38, 1-based): chr5:138,933,985-138,933,988, GAGA duplicated; duplicating any 4 consecutive bases within chr5:138,933,980-138,933,988 gives the same sequence; the c. name uses the placement nearest the transcript's 3' end. VCF-style (leftmost placement, unchanged base first): chr5-138933979-A-AAGAG. GRCh37 (hg19) VCF-style: chr5-138269668-A-AAGAG.
Other names: c.*158GA[6] (NM_001290307.3, NM_001324002.1, NM_001324003.1 and 2 more transcripts); c.2308_2311dup, p.Lys771fs (NM_001290309.3); c.2248_2251dup, p.Lys751fs (NM_001290310.3); c.1507_1510dup, p.Lys504fs (NM_001290312.1, NM_001323987.1, NM_001323988.1 and 12 more transcripts); c.2617_2620dup, p.Lys874fs (NM_001323982.2, NM_001323983.1, NM_001323984.2); c.2590_2593dup, p.Lys865fs (NM_001323985.2); c.2524_2527dup, p.Lys843fs (NM_001323986.2); c.1372_1375dup, p.Lys459fs (NM_001324001.1); and 4 more; short protein forms K423fs, K459fs, K473fs, K771fs, K865fs, K874fs, K391fs, K504fs.
Identifiers: ClinVar variation 2085991 (VCV002085991.5), dbSNP rs1266085029, ClinGen allele CA563498249.

ClinVar aggregate classification (germline): Uncertain significance. Review status: criteria provided, multiple submitters, no conflicts (2 of 4 stars). 2 submissions from 2 submitters: Uncertain significance (2). Last evaluated 2025-10-09.

Conditions:
Hereditary cancer-predisposing syndrome. Also called: Tumor predisposition; Neoplastic Syndromes, Hereditary; Hereditary Cancer Syndrome; Hereditary neoplastic syndrome. Identifiers: Orphanet 140162, MedGen C0027672, MeSH D009386, MONDO:0015356.

Submissions (2):

Ambry Genetics
Classification: Uncertain significance for Hereditary cancer-predisposing syndrome. Last evaluated: 2025-10-09. Review status: criteria provided, single submitter. Criteria: Ambry Variant Classification Scheme 2023. Collection method: clinical testing. Allele origin: germline.
Comment: The c.2617_2620dupGAGA variant, located in coding exon 17 of the CTNNA1 gene, results from a duplication of GAGA at nucleotide position 2617, causing a translational frameshift with a predicted alternate stop codon (p.K874Rfs*5). This alteration occurs at the 3' terminus of the gene, is not expected to trigger nonsense-mediated mRNAdecay, and impacts the last 3.7% of the protein. The exact functional effect of this alteration is unknown. Based on the available evidence, the clinical significance of this variant remains unclear.

Labcorp Genetics (formerly Invitae), Labcorp
Classification: Uncertain significance. Last evaluated: 2023-10-03. Review status: criteria provided, single submitter. Criteria: Invitae Variant Classification Sherloc (09022015). Collection method: clinical testing. Allele origin: germline.
Comment: This sequence change creates a premature translational stop signal (p.Lys874Argfs*5) in the CTNNA1 gene. While this is not anticipated to result in nonsense mediated decay, it is expected to disrupt the last 33 amino acid(s) of the CTNNA1 protein. This variant is present in population databases (no rsID available, gnomAD 0.006%). This variant has not been reported in the literature in individuals affected with CTNNA1-related conditions. Experimental studies and prediction algorithms are not available or were not evaluated, and the functional significance of this variant is currently unknown. In summary, the available evidence is currently insufficient to determine the role of this variant in disease. Therefore, it has been classified as a Variant of Uncertain Significance.